The following is an entry in ClinVar:

ClinVar aggregate classification (germline): Uncertain significance. Review status: criteria provided, multiple submitters, no conflicts (2 of 4 stars). 2 submissions from 2 submitters: Uncertain significance (2). Last evaluated 2025-04-28.

Conditions:
Hereditary cancer-predisposing syndrome. Also called: Hereditary neoplastic syndrome; Neoplastic Syndromes, Hereditary; Tumor predisposition; Hereditary Cancer Syndrome. Identifiers: Orphanet 140162, MedGen C0027672, MeSH D009386, MONDO:0015356.
Rhabdoid tumor predisposition syndrome 2 (RTPS2). Identifiers: Orphanet 231108, Orphanet 69077, MedGen C2750074, MONDO:0013224, OMIM 613325.

Submissions (2):

Labcorp Genetics (formerly Invitae), Labcorp
Classification: Uncertain significance for Rhabdoid tumor predisposition syndrome 2. Last evaluated: 2025-04-28. Review status: criteria provided, single submitter. Criteria: Invitae Variant Classification Sherloc (09022015). Collection method: clinical testing. Allele origin: germline.
Comment: This variant, c.4090_4092del, results in the deletion of 1 amino acid(s) of the SMARCA4 protein (p.Glu1364del), but otherwise preserves the integrity of the reading frame. The frequency data for this variant in the population databases is considered unreliable, as metrics indicate poor data quality at this position in the gnomAD database. This variant has been observed in individual(s) with breast cancer (PMID: 36315513). Experimental studies and prediction algorithms are not available or were not evaluated, and the functional significance of this variant is currently unknown. In summary, the available evidence is currently insufficient to determine the role of this variant in disease. Therefore, it has been classified as a Variant of Uncertain Significance.

Ambry Genetics
Classification: Uncertain significance for Hereditary cancer-predisposing syndrome. Last evaluated: 2024-10-15. Review status: criteria provided, single submitter. Criteria: Ambry Variant Classification Scheme 2023. Collection method: clinical testing. Allele origin: germline.
Comment: The c.4090_4092delGAG variant (also known as p.E1364del) is located in coding exon 28 of the SMARCA4 gene. This variant results from an in-frame GAG deletion at nucleotide positions 4090 to 4092. This results in the in-frame deletion of a glutamic acid at codon 1364. This amino acid position is highly conserved in available vertebrate species. In addition, this alteration is predicted to be deleterious by in silico analysis (Choi Y et al. PLoS ONE. 2012; 7(10):e46688). Based on the available evidence, the clinical significance of this variant remains unclear.

Literature cited by the submitters: PubMed 36315513 (cited by Labcorp Genetics (formerly Invitae), Labcorp).

NM_003072.5(SMARCA4):c.4078GAG[4] (p.Glu1364del)

Gene: SMARCA4 (SWI/SNF related BAF chromatin remodeling complex subunit ATPase 4; plus strand). Cytogenetic location: 19p13.2.
Variant type: Microsatellite.
Coding change: c.4078GAG[4] on transcript NM_003072.5 (MANE Select); four copies in a row of the 3-base unit GAG starting at c.4078; the reference has five copies in a row; one copy, 3 bases deleted.
Protein change: p.Glu1364del; deletes glutamic acid 1364.
Molecular consequence: inframe deletion. On other transcripts: non-coding transcript variant (1).
Genome position (GRCh38, 1-based): chr19:11,035,052-11,035,054, GAG deleted; deleting any 3 consecutive bases within chr19:11,035,040-11,035,054 gives the same sequence; the position shown is the placement nearest the transcript's 3' end. VCF-style (leftmost placement, unchanged base first): chr19-11035039-TGAG-T. GRCh37 (hg19) VCF-style: chr19-11145715-TGAG-T.
Other names: c.4090_4092delGAG (NM_001128849.1); c.4078GAG[4], p.Glu1364del (NM_001128844.3, NM_001128849.3); c.3979GAG[4], p.Glu1331del (NM_001128845.2, NM_001128846.2, NM_001128847.4 and 2 more transcripts); short protein forms E1331del, E1364del.
Identifiers: ClinVar variation 1005284 (VCV001005284.9), dbSNP rs148514235, ClinGen allele CA9204587.